The following is an entry in ClinVar:

ClinVar aggregate classification (germline): Pathogenic. Review status: criteria provided, single submitter (1 of 4 stars). 2 submissions from 2 submitters: Pathogenic (1). 1 of the submissions does not count toward it. Last evaluated 2021-05-03.

Conditions:
Long QT syndrome (LQTS). Identifiers: MedGen C0023976, MeSH D008133, MONDO:0002442. Disease mechanism: loss of function. Inheritance: Various modes of inheritance.

Submissions (2):

Labcorp Genetics (formerly Invitae), Labcorp
Classification: Pathogenic for Long QT syndrome. Last evaluated: 2021-05-03. Review status: criteria provided, single submitter. Criteria: Invitae Variant Classification Sherloc (09022015). Collection method: clinical testing. Allele origin: germline.
Comment: For these reasons, this variant has been classified as Pathogenic. This variant has not been reported in the literature in individuals with KCNH2-related conditions. ClinVar contains an entry for this variant (Variation ID: 200797). This variant is not present in population databases (ExAC no frequency). This sequence change creates a premature translational stop signal (p.Leu953Serfs*21) in the KCNH2 gene. It is expected to result in an absent or disrupted protein product. Loss-of-function variants in KCNH2 are known to be pathogenic (PMID: 10973849, 19862833).

GeneDx
No classification provided. Review status: no classification provided. Criteria: GeneDx Variant Classification (06012015). Collection method: clinical testing. Allele origin: germline. Affected: yes. Not counted in ClinVar's aggregate classification.
Comment: The c.2857delC variant in the KCNH2 gene causes a shift in reading frame at codon Leucine 953, changing it to a Serine, and creates a premature Stop codon at position 21 of the new reading frame, denoted p.Leu953SerfsX21. Although this variant has not been reported previously to our knowledge, it is expected to result in an abnormal, truncated protein or in absence of protein from this allele due to mRNA decay, and therefore is interpreted to be a pathogenic variant.

Literature cited by the submitters: PubMed 10973849 (cited by Labcorp Genetics (formerly Invitae), Labcorp); PubMed 19862833 (cited by Labcorp Genetics (formerly Invitae), Labcorp).

NM_000238.4(KCNH2):c.2857del (p.Leu953fs)

Gene: KCNH2 (potassium voltage-gated channel subfamily H member 2; minus strand). Cytogenetic location: 7q36.1.
Variant type: Deletion.
Coding change: c.2857del on transcript NM_000238.4 (MANE Select); coding-DNA position 2857, one base deleted (C; older notation c.2857delC).
Protein change: p.Leu953fs; shifts the reading frame from leucine 953.
Molecular consequence: frameshift variant.
Genome position (GRCh38, 1-based): chr7:150,947,714, G deleted on the plus strand (C on the coding strand, the reverse complement: KCNH2 is on the minus strand); the first of 5 consecutive G bases (chr7:150,947,714-150,947,718); deleting any one gives the same sequence. VCF-style (leftmost placement, unchanged base first): chr7-150947713-AG-A. GRCh37 (hg19) VCF-style: chr7-150644801-AG-A.
Other names: c.1837del, p.Leu613fs (NM_172057.3); short protein forms L613fs, L953fs.
Identifiers: ClinVar variation 200797 (VCV000200797.7), dbSNP rs794728503, ClinGen allele CA007519.